The following is an entry in ClinVar:

NM_020549.5(CHAT):c.1544A>T (p.Lys515Met)

Gene: CHAT (choline O-acetyltransferase; plus strand). Cytogenetic location: 10q11.23.
Variant type: single nucleotide variant.
Coding change: c.1544A>T on transcript NM_020549.5 (MANE Select); coding-DNA position 1544, A replaced by T.
Protein change: p.Lys515Met; replaces lysine 515 with methionine.
Molecular consequence: missense variant.
Genome position (GRCh38, 1-based): chr10:49,651,916, A>T. VCF-style: chr10-49651916-A-T. GRCh37 (hg19) VCF-style: chr10-50859962-A-T.
Other names: p.Lys515Met; c.1190A>T, p.Lys397Met (NM_001142929.2, NM_020984.4, NM_020985.4 and 2 more transcripts); c.1298A>T, p.Lys433Met (NM_001142933.2); c.1544A>T (NM_020549.4); short protein forms K515M, K397M, K433M.
Identifiers: ClinVar variation 2111626 (VCV002111626.2), dbSNP rs933692526, ClinGen allele CA376745679.

ClinVar aggregate classification (germline): Uncertain significance. Review status: criteria provided, multiple submitters, no conflicts (2 of 4 stars). 2 submissions from 2 submitters: Uncertain significance (2). Last evaluated 2025-10-18.

Conditions:
Familial infantile myasthenia (CMS6). Also called: Congenital myasthenic syndrome type 6; MYASTHENIC SYNDROME, PRESYNAPTIC, CONGENITAL, ASSOCIATED WITH EPISODIC APNEA; MYASTHENIC SYNDROME, CONGENITAL, 6, PRESYNAPTIC. Identifiers: Orphanet 590, MedGen C0393929, MONDO:0009689, OMIM 254210.

Allele frequency attached by ClinVar (database versions not stated): TOPMed 0.00001.
gnomAD v4.1: 5 of 1,614,132 alleles (0.00031%); highest among the groups gnomAD compares: African/African-American, 0.0053%; no homozygotes.

Submissions (2):

Mayo Clinic Laboratories, Mayo Clinic
Classification: Uncertain significance. Last evaluated: 2025-10-18. Review status: criteria provided, single submitter. Criteria: ACMG Guidelines, 2015. Collection method: clinical testing. Allele origin: germline. Observed: 1 variant allele.
Comment: PP3, PM2_supporting

Labcorp Genetics (formerly Invitae), Labcorp
Classification: Uncertain significance for Familial infantile myasthenia. Last evaluated: 2022-06-11. Review status: criteria provided, single submitter. Criteria: Invitae Variant Classification Sherloc (09022015). Collection method: clinical testing. Allele origin: germline.
Comment: This sequence change replaces lysine, which is basic and polar, with methionine, which is neutral and non-polar, at codon 515 of the CHAT protein (p.Lys515Met). This variant is present in population databases (no rsID available, gnomAD 0.007%). This variant has not been reported in the literature in individuals affected with CHAT-related conditions. Advanced modeling of protein sequence and biophysical properties (such as structural, functional, and spatial information, amino acid conservation, physicochemical variation, residue mobility, and thermodynamic stability) performed at Invitae indicates that this missense variant is not expected to disrupt CHAT protein function. In summary, the available evidence is currently insufficient to determine the role of this variant in disease. Therefore, it has been classified as a Variant of Uncertain Significance.